The following is an entry in ClinVar:

ClinVar aggregate classification (germline): Likely benign (0 of 4 stars; one submission).

Conditions:
BRSK2-related disorder. Also called: BRSK2-related condition; BRSK2-Related Disorders.

Allele frequency attached by ClinVar (database versions not stated): gnomAD 0.00001; ExAC 0.00002; TOPMed 0.00003.
gnomAD v4.1: 15 of 1,481,442 alleles (0.001%); highest among the groups gnomAD compares: East Asian, 0.035%; no homozygotes.

Submission:

PreventionGenetics, part of Exact Sciences
Classification: Likely benign for BRSK2-related condition. Last evaluated: 2019-03-29. Review status: no assertion criteria provided. Collection method: clinical testing. Allele origin: germline.
Comment: This variant is classified as likely benign based on ACMG/AMP sequence variant interpretation guidelines (Richards et al. 2015 PMID: 25741868, with internal and published modifications).

NM_001256627.2(BRSK2):c.91+21104C>G

Gene: BRSK2 (BR serine/threonine kinase 2; plus strand). Cytogenetic location: 11p15.5.
Variant type: single nucleotide variant.
Coding change: c.91+21104C>G on transcript NM_001256627.2 (MANE Select); 21104 bases into the intron after coding-DNA position 91, C replaced by G.
Molecular consequence: intron variant. On other transcripts: synonymous variant (1).
Genome position (GRCh38, 1-based): chr11:1,411,479, C>G. VCF-style: chr11-1411479-C-G. GRCh37 (hg19) VCF-style: chr11-1432709-C-G.
Other names: c.75C>G, p.Ser25= (NM_001256630.1); c.91+21104C>G (NM_001256629.2, NM_003957.4); c.-90+573C>G (NM_001282218.2).
Identifiers: ClinVar variation 3058431 (VCV003058431.2), dbSNP rs766804290, ClinGen allele CA5810296.
Genomic context (GRCh38, chr11:1,411,479, plus strand): 5'-CCACCCCAGCCGATGGGCACGTCCCCGCCGGCCCTGCATCTGTCCTTCCTCCCTCTGCTC[C>G]CCAAGAGAGCCCAGGTCTGGCCCAGCGGTGGGCAGGGGAGGGGCCGCACATCACAGAGTG-3'